The following is an entry in ClinVar:

NM_001395426.1(PDE4DIP):c.835-7448G>A

Gene: PDE4DIP (phosphodiesterase 4D interacting protein; plus strand). Cytogenetic location: 1q21.2.
Variant type: single nucleotide variant.
Coding change: c.835-7448G>A on transcript NM_001395426.1 (MANE Select); 7448 bases into the intron before coding-DNA position 835, G replaced by A.
Molecular consequence: intron variant. On other transcripts: synonymous variant (7).
Genome position (GRCh38, 1-based): chr1:148,953,206, G>A. VCF-style: chr1-148953206-G-A. GRCh37 (hg19) VCF-style: chr1-144931283-C-T.
Other names: c.541-7448G>A (NM_001395322.1); c.1048-7448G>A (NM_001395317.1, NM_001377392.2, NM_001350521.4 and 4 more transcripts); c.835-7448G>A (NM_001350522.3, NM_001395305.1, NM_001395304.1 and 11 more transcripts); c.724-7448G>A (NM_001395313.1, NM_001395321.1); c.637-7448G>A (NM_014644.7, NM_001198834.5, NM_001002812.4); c.-4+1052G>A (NM_001395323.1, NM_001395324.1); c.426G>A, p.Val142= (NM_001002811.3, NM_001350520.2, NM_001395297.1 and 4 more transcripts); c.937-7448G>A (NM_001395300.1, NM_001395302.1); and 1 more.
Identifiers: ClinVar variation 2639079 (VCV002639079.24), dbSNP rs2551527710, ClinGen allele CA2695199872.

ClinVar aggregate classification (germline): Likely benign (1 of 4 stars; one submission).

Submission:

CeGaT Center for Human Genetics Tuebingen
Classification: Likely benign. Last evaluated: 2023-02-01. Review status: criteria provided, single submitter. Criteria: CeGaT Center For Human Genetics Tuebingen Variant Classification Criteria Version 2. Collection method: clinical testing. Allele origin: germline. Affected: yes. Observed: 1 variant allele.
Comment: PDE4DIP: PM2:Supporting, BP4, BP7